The following is an entry in ClinVar:

NM_002299.4(LCT):c.3827T>C (p.Val1276Ala)

Gene: LCT (lactase; minus strand). Cytogenetic location: 2q21.3.
Variant type: single nucleotide variant.
Coding change: c.3827T>C on transcript NM_002299.4 (MANE Select); coding-DNA position 3827, T replaced by C.
Protein change: p.Val1276Ala; replaces valine 1276 with alanine.
Molecular consequence: missense variant.
Genome position (GRCh38, 1-based): chr2:135,808,520, A>G on the plus strand (T>C on the coding strand, the complement: LCT is on the minus strand). VCF-style: chr2-135808520-A-G. GRCh37 (hg19) VCF-style: chr2-136566090-A-G.
Other names: short protein forms V1276A.
Identifiers: ClinVar variation 1349425 (VCV001349425.6), dbSNP rs538543499, ClinGen allele CA1887978.

ClinVar aggregate classification (germline): Uncertain significance (1 of 4 stars; one submission).

Allele frequency attached by ClinVar (database versions not stated): gnomAD 0.00001 and 0.00007; TOPMed 0.00001; gnomAD exomes 0.00008 and 0.00014; ExAC 0.00016; 1000 Genomes Project 30x 0.00062; 1000 Genomes Project 0.00080.
gnomAD v4.1: 128 of 1,613,852 alleles (0.0079%); highest among the groups gnomAD compares: South Asian, 0.13%; no homozygotes.

Submission:

Labcorp Genetics (formerly Invitae), Labcorp
Classification: Uncertain significance. Last evaluated: 2025-10-13. Review status: criteria provided, single submitter. Criteria: Invitae Variant Classification Sherloc (09022015). Collection method: clinical testing. Allele origin: germline.
Comment: This sequence change replaces valine, which is neutral and non-polar, with alanine, which is neutral and non-polar, at codon 1276 of the LCT protein (p.Val1276Ala). This variant is present in population databases (rs538543499, gnomAD 0.1%). This variant has not been reported in the literature in individuals affected with LCT-related conditions. ClinVar contains an entry for this variant (Variation ID: 1349425). Invitae Evidence Modeling of protein sequence and biophysical properties (such as structural, functional, and spatial information, amino acid conservation, physicochemical variation, residue mobility, and thermodynamic stability) indicates that this missense variant is not expected to disrupt LCT protein function with a negative predictive value of 80%. In summary, the available evidence is currently insufficient to determine the role of this variant in disease. Therefore, it has been classified as a Variant of Uncertain Significance.